The following is an entry in ClinVar:

ClinVar aggregate classification (germline): Uncertain significance (1 of 4 stars; one submission).

Conditions:
Simplified gyral pattern. Also called: Cortical gyral simplification. Identifiers: MedGen C2749675, HP:0009879.

Allele frequency attached by ClinVar (database versions not stated): ESP Exome Variant Server 0.00015; ExAC 0.00022; gnomAD 0.00023 and 0.00024; gnomAD exomes 0.00024; TOPMed 0.00025.
gnomAD v4.1: 375 of 1,613,482 alleles (0.023%); highest among the groups gnomAD compares: Admixed American, 0.043%; 1 homozygote.

Submission:

Lupski Lab, Baylor-Hopkins CMG, Baylor College of Medicine
Classification: Uncertain significance for Simplified gyral pattern. Last evaluated: 2017-09-01. Review status: criteria provided, single submitter. Criteria: Wiszniewski et al. (Eur J Hum Genet. 2018). Collection method: research. Allele origin: inherited, unknown. Inheritance: Autosomal recessive inheritance. Affected: yes and no. Observed: 2 variant alleles.

NM_001794.5(CDH4):c.1351G>A (p.Glu451Lys)

Gene: CDH4 (cadherin 4; plus strand). Cytogenetic location: 20q13.33.
Variant type: single nucleotide variant.
Coding change: c.1351G>A on transcript NM_001794.5 (MANE Select); coding-DNA position 1351, G replaced by A.
Protein change: p.Glu451Lys; replaces glutamic acid 451 with lysine.
Molecular consequence: missense variant.
Genome position (GRCh38, 1-based): chr20:61,910,584, G>A. VCF-style: chr20-61910584-G-A. GRCh37 (hg19) VCF-style: chr20-60485640-G-A.
Other names: c.1240G>A, p.Glu414Lys (NM_001252338.2); c.1129G>A, p.Glu377Lys (NM_001252339.3); short protein forms E451K, E414K, E377K.
Identifiers: ClinVar variation 438596 (VCV000438596.1), dbSNP rs139577432, ClinGen allele CA9934699.